The following is an entry in ClinVar:

NM_004525.3(LRP2):c.10622G>A (p.Gly3541Asp)

Gene: LRP2 (LDL receptor related protein 2; minus strand). Cytogenetic location: 2q31.1.
Variant type: single nucleotide variant.
Coding change: c.10622G>A on transcript NM_004525.3 (MANE Select); coding-DNA position 10622, G replaced by A.
Protein change: p.Gly3541Asp; replaces glycine 3541 with aspartic acid.
Molecular consequence: missense variant.
Genome position (GRCh38, 1-based): chr2:169,175,339, C>T on the plus strand (G>A on the coding strand, the complement: LRP2 is on the minus strand). VCF-style: chr2-169175339-C-T. GRCh37 (hg19) VCF-style: chr2-170031849-C-T.
Other names: short protein forms G3541D.
Identifiers: ClinVar variation 1485925 (VCV001485925.8), dbSNP rs1341745528, ClinGen allele CA349146640.

ClinVar aggregate classification (germline): Uncertain significance (1 of 4 stars; one submission).

Allele frequency attached by ClinVar (database versions not stated): TOPMed below 0.00001; gnomAD 0.00001.
gnomAD v4.1: 1 of 1,614,062 alleles (0.000062%); highest among the groups gnomAD compares: Non-Finnish European, 0.000085%; no homozygotes.

Submission:

Labcorp Genetics (formerly Invitae), Labcorp
Classification: Uncertain significance. Last evaluated: 2021-03-08. Review status: criteria provided, single submitter. Criteria: Invitae Variant Classification Sherloc (09022015). Collection method: clinical testing. Allele origin: germline.
Comment: This variant has not been reported in the literature in individuals with LRP2-related conditions. In summary, the available evidence is currently insufficient to determine the role of this variant in disease. Therefore, it has been classified as a Variant of Uncertain Significance. Advanced modeling of protein sequence and biophysical properties (such as structural, functional, and spatial information, amino acid conservation, physicochemical variation, residue mobility, and thermodynamic stability) performed at Invitae indicates that this missense variant is expected to disrupt LRP2 protein function. This variant is not present in population databases (ExAC no frequency). This sequence change replaces glycine with aspartic acid at codon 3541 of the LRP2 protein (p.Gly3541Asp). The glycine residue is highly conserved and there is a moderate physicochemical difference between glycine and aspartic acid.